The following is an entry in ClinVar:

ClinVar aggregate classification (germline): Conflicting classifications of pathogenicity. Review status: criteria provided, conflicting classifications (1 of 4 stars). 13 submissions from 11 submitters: Uncertain significance (2); Benign (4); Likely benign (5). 2 of the submissions do not count toward it. Last evaluated 2025-12-03.

Conditions:
SMAD4-related disorder. Also called: SMAD4-Related disorders; SMAD4-related condition.
Familial thoracic aortic aneurysm and aortic dissection (TAAD). Also called: Thoracic aortic aneurysms and dissections. Identifiers: Orphanet 91387, MedGen C4707243, MONDO:0019625.
Hereditary cancer-predisposing syndrome. Also called: Neoplastic Syndromes, Hereditary; Tumor predisposition; Hereditary Cancer Syndrome; Hereditary neoplastic syndrome. Identifiers: Orphanet 140162, MedGen C0027672, MeSH D009386, MONDO:0015356.
Juvenile polyposis syndrome (JPS). Identifiers: Orphanet 2929, MedGen C0345893, MONDO:0017380, OMIM 174900.
Myhre syndrome (MYHRS). Also called: LARYNGOTRACHEAL STENOSIS, ARTHROPATHY, PROGNATHISM, AND SHORT STATURE; LAPS SYNDROME. Identifiers: Orphanet 2588, MedGen C0796081, MONDO:0007688, OMIM 139210.
Generalized juvenile polyposis/juvenile polyposis coli. Also called: Juvenile polyposis coli. Identifiers: Orphanet 329971, MedGen C1868081, MONDO:0008276.
Juvenile polyposis/hereditary hemorrhagic telangiectasia syndrome (JPHT). Also called: POLYPOSIS, GENERALIZED JUVENILE, WITH PULMONARY ARTERIOVENOUS MALFORMATION; TELANGIECTASIA, HEREDITARY HEMORRHAGIC, WITH JUVENILE POLYPOSIS COLI; JP/HHT SYNDROME; JUVENILE POLYPOSIS WITH HEREDITARY HEMORRHAGIC TELANGIECTASIA; Juvenile Polyposis Syndrome / Hereditary Hemorrhagic Telangiectasia (JPS/HHT). Identifiers: Orphanet 2929, MedGen C1832942, MONDO:0008278, OMIM 175050.

Allele frequency attached by ClinVar (database versions not stated): TOPMed 0.00002; gnomAD 0.00004 and 0.00005; ExAC 0.00005; gnomAD exomes 0.00005 and 0.00009; ESP Exome Variant Server 0.00008; 1000 Genomes Project 30x 0.00031; 1000 Genomes Project 0.00040.

Submissions (13):

Labcorp Genetics (formerly Invitae), Labcorp
Classification: Likely benign for Juvenile polyposis syndrome. Last evaluated: 2025-12-03. Review status: criteria provided, single submitter. Criteria: Invitae Variant Classification Sherloc (09022015). Collection method: clinical testing. Allele origin: germline.

All of Us Research Program, National Institutes of Health
Classification: Likely benign for Juvenile polyposis/hereditary hemorrhagic telangiectasia syndrome. Last evaluated: 2023-12-18. Review status: criteria provided, single submitter. Criteria: ACMG Guidelines, 2015. Collection method: clinical testing. Allele origin: germline. Inheritance: Autosomal dominant inheritance. Observed: 19 variant alleles, 19 heterozygotes.
Comment: This study involves interpretation of variants in research participants for the purpose of population health screening. Participant phenotype was not available at the time of variant classification. Additional details can be found in publication PMID: 35346344, PMCID: PMC8962531

Myriad Genetics, Inc.
Classification: Benign for Juvenile polyposis/hereditary hemorrhagic telangiectasia syndrome. Last evaluated: 2023-04-10. Review status: criteria provided, single submitter. Criteria: Myriad Autosomal Dominant, Autosomal Recessive and X-Linked Classification Criteria (2023). Collection method: clinical testing. Allele origin: unknown.
Comment: This variant is considered benign. This variant is a silent/synonymous amino acid change and it is not expected to impact splicing.

Quest Diagnostics Nichols Institute San Juan Capistrano
Classification: Benign. Last evaluated: 2019-06-20. Review status: criteria provided, single submitter. Criteria: Quest Diagnostics criteria. Collection method: clinical testing. Allele origin: germline.

Illumina Laboratory Services, Illumina
Classification: Uncertain significance for Juvenile polyposis syndrome. Last evaluated: 2018-01-13. Review status: criteria provided, single submitter. Criteria: ICSL Variant Classification Criteria 13 December 2019. Collection method: clinical testing. Allele origin: germline.

Illumina Laboratory Services, Illumina
Classification: Likely benign for Myhre syndrome. Last evaluated: 2018-01-13. Review status: criteria provided, single submitter. Criteria: ICSL Variant Classification Criteria 13 December 2019. Collection method: clinical testing. Allele origin: germline.
Comment: This variant was observed in the ICSL laboratory as part of a predisposition screen in an ostensibly healthy population. It had not been previously curated by ICSL or reported in the Human Gene Mutation Database (HGMD: prior to June 1st, 2018), and was therefore a candidate for classification through an automated scoring system. Utilizing variant allele frequency, disease prevalence and penetrance estimates, and inheritance mode, an automated score was calculated to assess if this variant is too frequent to cause the disease. Based on the score and internal cut-off values, a variant classified as likely benign is not then subjected to further curation. The score for this variant resulted in a classification of likely benign for this disease.

Illumina Laboratory Services, Illumina
Classification: Uncertain significance for Juvenile polyposis/hereditary hemorrhagic telangiectasia syndrome. Last evaluated: 2018-01-13. Review status: criteria provided, single submitter. Criteria: ICSL Variant Classification Criteria 13 December 2019. Collection method: clinical testing. Allele origin: germline.

Women's Health and Genetics/Laboratory Corporation of America, LabCorp
Classification: Benign. Last evaluated: 2017-10-26. Review status: criteria provided, single submitter. Criteria: LabCorp Variant Classification Summary - May 2015. Collection method: clinical testing. Allele origin: germline.
Comment: Variant summary: The SMAD4 c.1653A>G (p.Leu551Leu) variant involves the alteration of a non-conserved nucleotide, resulting in a synonymous change. One in silico tool predicts a damaging outcome for this variant. 3/5 splice prediction tools predict no significant impact on normal splicing. However, these predictions have yet to be confirmed by functional studies. This variant was found in 13/276566 control chromosomes (gnomAD) at a frequency of 0.000047, which is approximately 24 times the estimated maximal expected allele frequency of a pathogenic SMAD4 variant (0.000002), suggesting this variant is likely a benign polymorphism. In addition, multiple clinical diagnostic laboratories/reputable databases classified this variant as likely benign/benign. The variant of interest has not, to our knowledge, been reported in affected individuals via publications nor evaluated for functional impact by in vivo/vitro studies. Taken together, this variant is classified as benign.

Color Diagnostics, LLC DBA Color Health
Classification: Likely benign for Hereditary cancer-predisposing syndrome. Last evaluated: 2016-11-22. Review status: criteria provided, single submitter. Criteria: ACMG Guidelines, 2015. Collection method: clinical testing. Allele origin: germline.

GeneDx
Classification: Benign. Last evaluated: 2015-04-30. Review status: criteria provided, single submitter. Criteria: GeneDx Variant Classification (06012015). Collection method: clinical testing. Allele origin: germline. Affected: yes.
Comment: This variant is considered likely benign or benign based on one or more of the following criteria: it is a conservative change, it occurs at a poorly conserved position in the protein, it is predicted to be benign by multiple in silico algorithms, and/or has population frequency not consistent with disease.

Ambry Genetics
Classification: Likely benign for Hereditary cancer-predisposing syndrome; Familial thoracic aortic aneurysm and aortic dissection. Last evaluated: 2014-10-24. Review status: criteria provided, single submitter. Criteria: Ambry Variant Classification Scheme 2023. Collection method: clinical testing. Allele origin: germline.

PreventionGenetics, part of Exact Sciences
Classification: Likely benign for SMAD4-related condition. Last evaluated: 2021-01-26. Review status: no assertion criteria provided. Collection method: clinical testing. Allele origin: germline. Not counted in ClinVar's aggregate classification.
Comment: This variant is classified as likely benign based on ACMG/AMP sequence variant interpretation guidelines (Richards et al. 2015 PMID: 25741868, with internal and published modifications).

Counsyl
Classification: Likely benign for Juvenile polyposis syndrome. Last evaluated: 2016-08-10. Review status: no assertion criteria provided. Collection method: clinical testing. Allele origin: unknown. Not counted in ClinVar's aggregate classification.

NM_005359.6(SMAD4):c.1653A>G (p.Leu551=)

Gene: SMAD4 (SMAD family member 4; plus strand). Cytogenetic location: 18q21.2.
Variant type: single nucleotide variant.
Coding change: c.1653A>G on transcript NM_005359.6 (MANE Select); coding-DNA position 1653, A replaced by G.
Protein change: p.Leu551=; no amino-acid change (leucine 551 retained).
Molecular consequence: synonymous variant.
Genome position (GRCh38, 1-based): chr18:51,078,461, A>G. VCF-style: chr18-51078461-A-G. GRCh37 (hg19) VCF-style: chr18-48604831-A-G.
Identifiers: ClinVar variation 136074 (VCV000136074.32), dbSNP rs199526820, ClinGen allele CA186803.